The following is an entry in ClinVar:

ClinVar aggregate classification (germline): Pathogenic (1 of 4 stars; one submission).

Conditions:
Neurodevelopmental disorder with regression, abnormal movements, loss of speech, and seizures. Identifiers: Orphanet 597623, MedGen C4748127, MONDO:0060759, OMIM 618088.

Submission:

Victorian Clinical Genetics Services, Murdoch Childrens Research Institute
Classification: Pathogenic for Neurodevelopmental disorder with regression, abnormal movements, loss of speech, and seizures. Last evaluated: 2026-06-30. Review status: criteria provided, single submitter. Criteria: ACMG Guidelines, 2015. Collection method: clinical testing. Allele origin: germline. Affected: yes.
Comment: This variant is classified as Pathogenic. Evidence in support of pathogenic classification: Variant is predicted to result in a truncated protein (premature termination codon is NOT located at least 54 nucleotides upstream of the final exon-exon junction) with at least 1/3 of the protein sequence affected; Variant is absent from gnomAD (v4); Other variants comparable to the one identified in this case have very strong previous evidence for pathogenicity (DECIPHER); Additional information: This variant is heterozygous; This gene is associated with autosomal dominant disease; Loss of function is a known mechanism of disease in this gene and is associated with neurodevelopmental disorder with regression, abnormal movements, loss of speech, and seizures (MIM#618088).

NM_024496.4(IRF2BPL):c.188_191dup (p.Phe64fs)

Genes: IRF2BPL (interferon regulatory factor 2 binding protein like; minus strand), LOC107984638 (uncharacterized LOC107984638; plus strand). Cytogenetic location: 14q24.3.
Variant type: Duplication.
Coding change: c.188_191dup on transcript NM_024496.4 (MANE Select); coding-DNA positions 188 to 191, 4 bases duplicated (GCTT; older notation c.188_191dupGCTT).
Protein change: p.Phe64fs; shifts the reading frame from phenylalanine 64.
Molecular consequence: frameshift variant. On other transcripts: non-coding transcript variant (3).
Genome position (GRCh38, 1-based): chr14:77,027,602-77,027,605, AAGC duplicated on the plus strand (GCTT on the coding strand, the reverse complement: IRF2BPL is on the minus strand); duplicating any 4 consecutive bases within chr14:77,027,602-77,027,606 gives the same sequence; the c. name uses the placement nearest the transcript's 3' end. VCF-style (leftmost placement, unchanged base first): chr14-77027601-G-GAAGC. GRCh37 (hg19) VCF-style: chr14-77493944-G-GAAGC.
Other names: short protein forms F64fs.
Identifiers: ClinVar variation 4879587 (VCV004879587.1).